The following is an entry in ClinVar:

NM_001005273.3(CHD3):c.*76C>T

Gene: CHD3 (chromodomain helicase DNA binding protein 3; plus strand). Cytogenetic location: 17p13.1.
Variant type: single nucleotide variant.
Coding change: c.*76C>T on transcript NM_001005273.3 (MANE Select); 76 bases downstream of the stop codon, C replaced by T.
Molecular consequence: 3 prime UTR variant. On other transcripts: missense variant (1).
Genome position (GRCh38, 1-based): chr17:7,911,661, C>T. VCF-style: chr17-7911661-C-T. GRCh37 (hg19) VCF-style: chr17-7814979-C-T.
Other names: c.*76C>T (NM_001005271.3, NM_001437507.1, NM_001437508.1 and 2 more transcripts); c.6302C>T, p.Ala2101Val (NM_001437504.1); short protein forms A2101V.
Identifiers: ClinVar variation 4872550 (VCV004872550.2).

ClinVar aggregate classification (germline): Likely benign (1 of 4 stars; one submission).

gnomAD v4.1: 158 of 1,605,588 alleles (0.0098%); highest among the groups gnomAD compares: Middle Eastern, 0.2%; 1 homozygote.

Submission:

CeGaT Center for Human Genetics Tuebingen
Classification: Likely benign. Last evaluated: 2026-06-01. Review status: criteria provided, single submitter. Criteria: CeGaT Center For Human Genetics Tuebingen Variant Classification Criteria Version 2. Collection method: clinical testing. Allele origin: germline. Affected: yes. Observed: 1 variant allele.
Comment: CHD3: BP4